The following is an entry in ClinVar:

NM_001034853.2(RPGR):c.2645A>G (p.Glu882Gly)

Gene: RPGR (retinitis pigmentosa GTPase regulator; minus strand). Cytogenetic location: Xp11.4.
Variant type: single nucleotide variant.
Coding change: c.2645A>G on transcript NM_001034853.2 (MANE Select); coding-DNA position 2645, A replaced by G.
Protein change: p.Glu882Gly; replaces glutamic acid 882 with glycine.
Molecular consequence: missense variant. On other transcripts: intron variant (8).
Genome position (GRCh38, 1-based): chrX:38,286,354, T>C on the plus strand (A>G on the coding strand, the complement: RPGR is on the minus strand). VCF-style: chrX-38286354-T-C. GRCh37 (hg19) VCF-style: chrX-38145607-T-C.
Other names: c.1569+4605A>G (NM_001367249.1, NM_001367250.1); c.1902+740A>G (NM_001367245.1); c.1386+4605A>G (NM_001367251.1); c.1719+740A>G (NM_001367246.1); c.1572+4605A>G (NM_001367247.1); c.1905+740A>G (NM_000328.3); c.1602+4605A>G (NM_001367248.1); short protein forms E882G.
Identifiers: ClinVar variation 4533647 (VCV004533647.6).

ClinVar aggregate classification (germline): Uncertain significance (1 of 4 stars; one submission).

Submission:

CeGaT Center for Human Genetics Tuebingen
Classification: Uncertain significance. Last evaluated: 2025-11-01. Review status: criteria provided, single submitter. Criteria: CeGaT Center For Human Genetics Tuebingen Variant Classification Criteria Version 2. Collection method: clinical testing. Allele origin: germline. Affected: yes. Observed: 1 variant allele.
Comment: RPGR: PM2, BP4